The following is an entry in ClinVar:

ClinVar aggregate classification (germline): Uncertain significance. Review status: criteria provided, multiple submitters, no conflicts (2 of 4 stars). 2 submissions from 2 submitters: Uncertain significance (2). Last evaluated 2026-09-11.

Conditions:
Gorlin syndrome. Also called: Nevoid Basal Cell Carcinoma Syndrome; Basal cell nevus syndrome. Identifiers: Orphanet 377, MedGen C0004779, MONDO:0007187.
Hereditary cancer-predisposing syndrome. Also called: Hereditary Cancer Syndrome; Hereditary neoplastic syndrome; Neoplastic Syndromes, Hereditary; Tumor predisposition. Identifiers: Orphanet 140162, MedGen C0027672, MeSH D009386, MONDO:0015356.

Allele frequency attached by ClinVar (database versions not stated): gnomAD exomes below 0.00001.
gnomAD v4.1: 1 of 1,612,038 alleles (0.000062%); highest among the groups gnomAD compares: Non-Finnish European, 0.000085%; no homozygotes.

Submissions (2):

Ambry Genetics
Classification: Uncertain significance for Hereditary cancer-predisposing syndrome. Last evaluated: 2026-09-11. Review status: criteria provided, single submitter. Criteria: Ambry Variant Classification Scheme 2023. Collection method: clinical testing. Allele origin: germline.
Comment: The p.G72S variant (also known as c.214G>A), located in coding exon 2 of the PTCH1 gene, results from a G to A substitution at nucleotide position 214. The glycine at codon 72 is replaced by serine, an amino acid with similar properties. This amino acid position is highly conserved in available vertebrate species. In addition, this alteration is predicted to be deleterious by in silico analysis. Based on the available evidence, the clinical significance of this variant remains unclear.

Labcorp Genetics (formerly Invitae), Labcorp
Classification: Uncertain significance for Gorlin syndrome. Last evaluated: 2022-09-06. Review status: criteria provided, single submitter. Criteria: Invitae Variant Classification Sherloc (09022015). Collection method: clinical testing. Allele origin: germline.
Comment: This sequence change replaces glycine, which is neutral and non-polar, with serine, which is neutral and polar, at codon 72 of the PTCH1 protein (p.Gly72Ser). This variant is not present in population databases (gnomAD no frequency). This variant has not been reported in the literature in individuals affected with PTCH1-related conditions. Advanced modeling of protein sequence and biophysical properties (such as structural, functional, and spatial information, amino acid conservation, physicochemical variation, residue mobility, and thermodynamic stability) performed at Invitae indicates that this missense variant is not expected to disrupt PTCH1 protein function. In summary, the available evidence is currently insufficient to determine the role of this variant in disease. Therefore, it has been classified as a Variant of Uncertain Significance.

NM_000264.5(PTCH1):c.214G>A (p.Gly72Ser)

Gene: PTCH1 (patched 1; minus strand). Cytogenetic location: 9q22.32.
Variant type: single nucleotide variant.
Coding change: c.214G>A on transcript NM_000264.5 (MANE Select); coding-DNA position 214, G replaced by A.
Protein change: p.Gly72Ser; replaces glycine 72 with serine.
Molecular consequence: missense variant. On other transcripts: 5 prime UTR variant (4), non-coding transcript variant (1).
Genome position (GRCh38, 1-based): chr9:95,506,587, C>T on the plus strand (G>A on the coding strand, the complement: PTCH1 is on the minus strand). VCF-style: chr9-95506587-C-T. GRCh37 (hg19) VCF-style: chr9-98268869-C-T.
Other names: c.16G>A, p.Gly6Ser (NM_001083602.3, NM_001354919.2); c.211G>A, p.Gly71Ser (NM_001083603.3); c.-240G>A (NM_001083604.3, NM_001083605.3, NM_001083606.3 and 1 more transcripts); c.214G>A, p.Gly72Ser (NM_001354918.2); short protein forms G6S, G72S, G71S.
Identifiers: ClinVar variation 1786719 (VCV001786719.8), dbSNP rs2538385039, ClinGen allele CA374120743.